The following is an entry in ClinVar:

NM_003072.5(SMARCA4):c.301G>C (p.Gly101Arg)

Gene: SMARCA4 (SWI/SNF related BAF chromatin remodeling complex subunit ATPase 4; plus strand). Cytogenetic location: 19p13.2.
Variant type: single nucleotide variant.
Coding change: c.301G>C on transcript NM_003072.5 (MANE Select); coding-DNA position 301, G replaced by C.
Protein change: p.Gly101Arg; replaces glycine 101 with arginine.
Molecular consequence: missense variant. On other transcripts: non-coding transcript variant (1).
Genome position (GRCh38, 1-based): chr19:10,985,351, G>C. VCF-style: chr19-10985351-G-C. GRCh37 (hg19) VCF-style: chr19-11096027-G-C.
Other names: c.301G>C, p.Gly101Arg (NM_001128844.3, NM_001128845.2, NM_001128846.2 and 6 more transcripts); c.301G>C (NM_001128849.1); short protein forms G101R.
Identifiers: ClinVar variation 2986555 (VCV002986555.4), dbSNP rs2145751081, ClinGen allele CA404055250.

ClinVar aggregate classification (germline): Uncertain significance. Review status: criteria provided, multiple submitters, no conflicts (2 of 4 stars). 2 submissions from 2 submitters: Uncertain significance (2). Last evaluated 2023-11-10.

Conditions:
Hereditary cancer-predisposing syndrome. Also called: Tumor predisposition; Hereditary neoplastic syndrome; Hereditary Cancer Syndrome; Neoplastic Syndromes, Hereditary. Identifiers: Orphanet 140162, MedGen C0027672, MeSH D009386, MONDO:0015356.
Rhabdoid tumor predisposition syndrome 2 (RTPS2). Identifiers: Orphanet 231108, Orphanet 69077, MedGen C2750074, MONDO:0013224, OMIM 613325.

Submissions (2):

Ambry Genetics
Classification: Uncertain significance for Hereditary cancer-predisposing syndrome. Last evaluated: 2023-11-10. Review status: criteria provided, single submitter. Criteria: Ambry Variant Classification Scheme 2023. Collection method: clinical testing. Allele origin: germline.
Comment: The p.G101R variant (also known as c.301G>C), located in coding exon 2 of the SMARCA4 gene, results from a G to C substitution at nucleotide position 301. The glycine at codon 101 is replaced by arginine, an amino acid with dissimilar properties. This amino acid position is well conserved in available vertebrate species. In addition, the in silico prediction for this alteration is inconclusive. Missense and in-frame variants in SMARCA4 are known to cause neurodevelopmental disorders; however, such associations with rhabdoid tumor predisposition syndrome including small cell carcinoma of the ovary-hypercalcemic type (SCCOHT) are exceedingly rare (Kosho T et al. Am J Med Genet C Semin Med Genet. 2014 Sep;166C(3):262-75; Jelinic P et al. Nat Genet. 2014 May;46(5):424-6). Since supporting evidence is limited at this time, the clinical significance of this alteration remains unclear.

Labcorp Genetics (formerly Invitae), Labcorp
Classification: Uncertain significance for Rhabdoid tumor predisposition syndrome 2. Last evaluated: 2023-03-02. Review status: criteria provided, single submitter. Criteria: Invitae Variant Classification Sherloc (09022015). Collection method: clinical testing. Allele origin: germline.
Comment: In summary, the available evidence is currently insufficient to determine the role of this variant in disease. Therefore, it has been classified as a Variant of Uncertain Significance. Advanced modeling of protein sequence and biophysical properties (such as structural, functional, and spatial information, amino acid conservation, physicochemical variation, residue mobility, and thermodynamic stability) performed at Invitae indicates that this missense variant is not expected to disrupt SMARCA4 protein function. This variant has not been reported in the literature in individuals affected with SMARCA4-related conditions. This variant is not present in population databases (gnomAD no frequency). This sequence change replaces glycine, which is neutral and non-polar, with arginine, which is basic and polar, at codon 101 of the SMARCA4 protein (p.Gly101Arg).